The following is an entry in ClinVar:

ClinVar aggregate classification (germline): Uncertain significance (1 of 4 stars; one submission).

Submission:

Labcorp Genetics (formerly Invitae), Labcorp
Classification: Uncertain significance. Last evaluated: 2025-02-27. Review status: criteria provided, single submitter. Criteria: Invitae Variant Classification Sherloc (09022015). Collection method: clinical testing. Allele origin: germline.
Comment: This sequence change replaces arginine, which is basic and polar, with glycine, which is neutral and non-polar, at codon 1200 of the TAOK2 protein (p.Arg1200Gly). This variant is not present in population databases (gnomAD no frequency). This variant has not been reported in the literature in individuals affected with TAOK2-related conditions. An algorithm developed to predict the effect of missense changes on protein structure and function (PolyPhen-2) suggests that this variant is likely to be tolerated. In summary, the available evidence is currently insufficient to determine the role of this variant in disease. Therefore, it has been classified as a Variant of Uncertain Significance.

NM_016151.4(TAOK2):c.3598C>G (p.Arg1200Gly)

Gene: TAOK2 (TAO kinase 2; plus strand). Cytogenetic location: 16p11.2.
Variant type: single nucleotide variant.
Coding change: c.3598C>G on transcript NM_016151.4 (MANE Select); coding-DNA position 3598, C replaced by G.
Protein change: p.Arg1200Gly; replaces arginine 1200 with glycine.
Molecular consequence: missense variant. On other transcripts: intron variant (1).
Genome position (GRCh38, 1-based): chr16:29,987,870, C>G. VCF-style: chr16-29987870-C-G. GRCh37 (hg19) VCF-style: chr16-29999191-C-G.
Other names: c.3259C>G, p.Arg1087Gly (NM_001252043.2); c.2232+1366C>G (NM_004783.4); short protein forms R1087G, R1200G.
Identifiers: ClinVar variation 4713992 (VCV004713992.1).